The following is an entry in ClinVar:

NM_006421.5(ARFGEF1):c.5508A>G (p.Ile1836Met)

Gene: ARFGEF1 (ARF guanine nucleotide exchange factor 1; minus strand). Cytogenetic location: 8q13.2.
Variant type: single nucleotide variant.
Coding change: c.5508A>G on transcript NM_006421.5 (MANE Select); coding-DNA position 5508, A replaced by G.
Protein change: p.Ile1836Met; replaces isoleucine 1836 with methionine.
Molecular consequence: missense variant. On other transcripts: non-coding transcript variant (1), intron variant (2).
Genome position (GRCh38, 1-based): chr8:67,198,976, T>C on the plus strand (A>G on the coding strand, the complement: ARFGEF1 is on the minus strand). VCF-style: chr8-67198976-T-C. GRCh37 (hg19) VCF-style: chr8-68111211-T-C.
Other names: c.5508A>G, p.Ile1836Met (NM_001413184.1); c.5490A>G, p.Ile1830Met (NM_001413185.1, NM_001413189.1); c.4908A>G, p.Ile1636Met (NM_001413188.1, NM_001413197.1); c.5502A>G, p.Ile1834Met (NM_001413190.1); c.5412A>G, p.Ile1804Met (NM_001413191.1); c.5394A>G, p.Ile1798Met (NM_001413192.1); c.4083A>G, p.Ile1361Met (NM_001413196.1); c.5367+1420A>G (NM_001413186.1); and 1 more; short protein forms I1636M, I1834M, I1804M, I1830M, I1361M, I1798M, I1836M.
Identifiers: ClinVar variation 5007992 (VCV005007992.1).

ClinVar aggregate classification (germline): Uncertain significance (1 of 4 stars; one submission).

gnomAD v4.1: 10 of 1,613,130 alleles (0.00062%); highest among the groups gnomAD compares: Non-Finnish European, 0.00085%; no homozygotes.

Submission:

GeneDx
Classification: Uncertain significance. Last evaluated: 2026-03-09. Review status: criteria provided, single submitter. Criteria: GeneDx Variant Classification Process June 2021. Collection method: clinical testing. Allele origin: germline.
Comment: Not observed at significant frequency in large population cohorts (gnomAD); In silico analysis suggests that this missense variant does not alter protein structure/function; Has not been previously published as pathogenic or benign to our knowledge